The following is an entry in ClinVar:

ClinVar aggregate classification (germline): Uncertain significance. Review status: criteria provided, multiple submitters, no conflicts (2 of 4 stars). 4 submissions from 4 submitters: Uncertain significance (3). 1 of the submissions does not count toward it. Last evaluated 2024-09-09.

Conditions:
Retinal dystrophy. Also called: Inherited retinal dystrophy. Identifiers: Orphanet 71862, MedGen C0854723, MeSH D058499, MONDO:0019118, HP:0000556.
Inborn genetic diseases. Identifiers: MedGen C0950123, MeSH D030342.

Allele frequency attached by ClinVar (database versions not stated): ExAC 0.00003; gnomAD exomes 0.00004 and 0.00005; gnomAD 0.00005; TOPMed 0.00005; 1000 Genomes Project 30x 0.00016; 1000 Genomes Project 0.00020.
gnomAD v4.1: 72 of 1,577,368 alleles (0.0046%); highest among the groups gnomAD compares: Admixed American, 0.025%; no homozygotes.

Submissions (4):

Blueprint Genetics
Classification: Uncertain significance. Last evaluated: 2024-09-09. Review status: criteria provided, single submitter. Criteria: ACMG Guidelines, 2015. Collection method: clinical testing. Allele origin: germline.

Labcorp Genetics (formerly Invitae), Labcorp
Classification: Uncertain significance. Last evaluated: 2022-10-13. Review status: criteria provided, single submitter. Criteria: Invitae Variant Classification Sherloc (09022015). Collection method: clinical testing. Allele origin: germline.
Comment: This sequence change replaces arginine, which is basic and polar, with histidine, which is basic and polar, at codon 92 of the CWC27 protein (p.Arg92His). This variant is present in population databases (rs568150813, gnomAD 0.02%). This variant has not been reported in the literature in individuals affected with CWC27-related conditions. ClinVar contains an entry for this variant (Variation ID: 936383). Algorithms developed to predict the effect of missense changes on protein structure and function are either unavailable or do not agree on the potential impact of this missense change (SIFT: "Deleterious"; PolyPhen-2: "Possibly Damaging"; Align-GVGD: "Class C0"). In summary, the available evidence is currently insufficient to determine the role of this variant in disease. Therefore, it has been classified as a Variant of Uncertain Significance.

Ambry Genetics
Classification: Uncertain significance for Inborn genetic diseases. Last evaluated: 2021-07-08. Review status: criteria provided, single submitter. Criteria: Ambry Variant Classification Scheme 2023. Collection method: clinical testing. Allele origin: germline.

Institute of Human Genetics, Univ. Regensburg, Univ. Regensburg
Classification: Uncertain significance for Retinal dystrophy. Last evaluated: 2019-01-01. Review status: no assertion criteria provided. Criteria: ACMG Guidelines, 2015. Collection method: clinical testing. Allele origin: germline. Affected: yes. Not counted in ClinVar's aggregate classification.

NM_005869.4(CWC27):c.275G>A (p.Arg92His)

Gene: CWC27 (CWC27 spliceosome associated cyclophilin; plus strand). Cytogenetic location: 5q12.3.
Variant type: single nucleotide variant.
Coding change: c.275G>A on transcript NM_005869.4 (MANE Select); coding-DNA position 275, G replaced by A.
Protein change: p.Arg92His; replaces arginine 92 with histidine.
Molecular consequence: missense variant.
Genome position (GRCh38, 1-based): chr5:64,783,858, G>A. VCF-style: chr5-64783858-G-A. GRCh37 (hg19) VCF-style: chr5-64079685-G-A.
Other names: c.275G>A (NM_005869.2); c.275G>A, p.Arg92His (NM_001297644.1, NM_001297645.2, NM_001318000.2 and 1 more transcripts); short protein forms R92H.
Identifiers: ClinVar variation 936383 (VCV000936383.8), dbSNP rs568150813, ClinGen allele CA3281910.